The following is an entry in ClinVar:

ClinVar aggregate classification (germline): Pathogenic (1 of 4 stars; one submission).

Conditions:
Inborn genetic diseases. Identifiers: MedGen C0950123, MeSH D030342.

Submission:

Ambry Genetics
Classification: Pathogenic for Inborn genetic diseases. Last evaluated: 2025-09-10. Review status: criteria provided, single submitter. Criteria: Ambry Variant Classification Scheme 2023. Collection method: clinical testing. Allele origin: germline.
Comment: The c.547C>T (p.Q183*) alteration, located in coding exon 2 of the HNRNPUL2 gene, consists of a C to T substitution at nucleotide position 547. This changes the amino acid from a glutamine (Q) to a stop codon at amino acid position 183. This alteration is expected to result in loss of function by premature protein truncation or nonsense-mediated mRNA decay. This variant was not reported in population-based cohorts in the Genome Aggregation Database (gnomAD). Based on the available evidence, this alteration is classified as pathogenic.

NM_001079559.3(HNRNPUL2):c.547C>T (p.Gln183Ter)

Genes: HNRNPUL2-BSCL2 (HNRNPUL2-BSCL2 readthrough (NMD candidate); minus strand), HNRNPUL2 (heterogeneous nuclear ribonucleoprotein U like 2; minus strand). Cytogenetic location: 11q12.3.
Variant type: single nucleotide variant.
Coding change: c.547C>T on transcript NM_001079559.3 (MANE Select); coding-DNA position 547, C replaced by T.
Protein change: p.Gln183Ter; replaces glutamine 183 with a stop codon.
Molecular consequence: nonsense. On other transcripts: non-coding transcript variant (1).
Genome position (GRCh38, 1-based): chr11:62,724,418, G>A on the plus strand (C>T on the coding strand, the complement: HNRNPUL2 is on the minus strand). VCF-style: chr11-62724418-G-A. GRCh37 (hg19) VCF-style: chr11-62491890-G-A.
Other names: short protein forms Q183*.
Identifiers: ClinVar variation 4271575 (VCV004271575.1).